The following is an entry in ClinVar:

NM_004859.4(CLTC):c.1135G>C (p.Glu379Gln)

Gene: CLTC (clathrin heavy chain; plus strand). Cytogenetic location: 17q23.1.
Variant type: single nucleotide variant.
Coding change: c.1135G>C on transcript NM_004859.4 (MANE Select); coding-DNA position 1135, G replaced by C.
Protein change: p.Glu379Gln; replaces glutamic acid 379 with glutamine.
Molecular consequence: missense variant.
Genome position (GRCh38, 1-based): chr17:59,660,556, G>C. VCF-style: chr17-59660556-G-C. GRCh37 (hg19) VCF-style: chr17-57737917-G-C.
Other names: c.1147G>C, p.Glu383Gln (NM_001288653.2); short protein forms E379Q, E383Q.
Identifiers: ClinVar variation 4809195 (VCV004809195.1).

ClinVar aggregate classification (germline): Uncertain significance (1 of 4 stars; one submission).

Submission:

Labcorp Genetics (formerly Invitae), Labcorp
Classification: Uncertain significance. Last evaluated: 2025-12-09. Review status: criteria provided, single submitter. Criteria: Invitae Variant Classification Sherloc (09022015). Collection method: clinical testing. Allele origin: germline.
Comment: This sequence change replaces glutamic acid, which is acidic and polar, with glutamine, which is neutral and polar, at codon 383 of the CLTC protein (p.Glu383Gln). This variant is not present in population databases (gnomAD no frequency). This variant has not been reported in the literature in individuals affected with CLTC-related conditions. Invitae Evidence Modeling of protein sequence and biophysical properties (such as structural, functional, and spatial information, amino acid conservation, physicochemical variation, residue mobility, and thermodynamic stability) indicates that this missense variant is not expected to disrupt CLTC protein function with a negative predictive value of 80%. In summary, the available evidence is currently insufficient to determine the role of this variant in disease. Therefore, it has been classified as a Variant of Uncertain Significance.